The following is an entry in ClinVar:

NM_001330700.2(TOP2B):c.102A>C (p.Lys34Asn)

Gene: TOP2B (DNA topoisomerase II beta; minus strand). Cytogenetic location: 3p24.2.
Variant type: single nucleotide variant.
Coding change: c.102A>C on transcript NM_001330700.2 (MANE Select); coding-DNA position 102, A replaced by C.
Protein change: p.Lys34Asn; replaces lysine 34 with asparagine.
Molecular consequence: missense variant.
Genome position (GRCh38, 1-based): chr3:25,645,438, T>G on the plus strand (A>C on the coding strand, the complement: TOP2B is on the minus strand). VCF-style: chr3-25645438-T-G. GRCh37 (hg19) VCF-style: chr3-25686929-T-G.
Other names: c.87A>C (NM_001068.2); c.87A>C, p.Lys29Asn (NM_001068.3); short protein forms K29N, K34N.
Identifiers: ClinVar variation 1025850 (VCV001025850.8), dbSNP rs772611515, ClinGen allele CA2288979.

ClinVar aggregate classification (germline): Uncertain significance. Review status: criteria provided, multiple submitters, no conflicts (2 of 4 stars). 2 submissions from 2 submitters: Uncertain significance (2). Last evaluated 2025-05-05.

Allele frequency attached by ClinVar (database versions not stated): ExAC 0.00002; TOPMed 0.00003; gnomAD 0.00004.
gnomAD v4.1: 133 of 1,612,758 alleles (0.0082%); highest among the groups gnomAD compares: Non-Finnish European, 0.011%; no homozygotes.

Submissions (2):

Labcorp Genetics (formerly Invitae), Labcorp
Classification: Uncertain significance. Last evaluated: 2025-05-05. Review status: criteria provided, single submitter. Criteria: Invitae Variant Classification Sherloc (09022015). Collection method: clinical testing. Allele origin: germline.
Comment: This sequence change replaces lysine, which is basic and polar, with asparagine, which is neutral and polar, at codon 29 of the TOP2B protein (p.Lys29Asn). This variant is present in population databases (rs772611515, gnomAD 0.004%). This variant has not been reported in the literature in individuals affected with TOP2B-related conditions. ClinVar contains an entry for this variant (Variation ID: 1025850). An algorithm developed to predict the effect of missense changes on protein structure and function (PolyPhen-2) suggests that this variant is likely to be tolerated. In summary, the available evidence is currently insufficient to determine the role of this variant in disease. Therefore, it has been classified as a Variant of Uncertain Significance.

Ambry Genetics
Classification: Uncertain significance. Last evaluated: 2025-03-14. Review status: criteria provided, single submitter. Criteria: Ambry Variant Classification Scheme 2023. Collection method: clinical testing. Allele origin: germline.